The following is an entry in ClinVar:

ClinVar aggregate classification (germline): Uncertain significance. Review status: criteria provided, multiple submitters, no conflicts (2 of 4 stars). 2 submissions from 2 submitters: Uncertain significance (2). Last evaluated 2024-08-26.

Conditions:
Familial hypocalciuric hypercalcemia (FHH). Also called: Familial benign hypercalcemia. Identifiers: Orphanet 405, MedGen C1809471, MONDO:0018458.
Autosomal dominant hypocalcemia 1 (HYPOC1). Also called: HYPOCALCEMIA, FAMILIAL. Identifiers: MedGen C3715128, MONDO:0011013, OMIM 601198.
Nephrolithiasis/nephrocalcinosis. Identifiers: MedGen CN580796.

Submissions (2):

Labcorp Genetics (formerly Invitae), Labcorp
Classification: Uncertain significance for Familial hypocalciuric hypercalcemia; Autosomal dominant hypocalcemia 1. Last evaluated: 2024-08-26. Review status: criteria provided, single submitter. Criteria: Invitae Variant Classification Sherloc (09022015). Collection method: clinical testing. Allele origin: germline.
Comment: This sequence change replaces glutamine, which is neutral and polar, with histidine, which is basic and polar, at codon 995 of the CASR protein (p.Gln995His). This variant is not present in population databases (gnomAD no frequency). This variant has not been reported in the literature in individuals affected with CASR-related conditions. ClinVar contains an entry for this variant (Variation ID: 463942). An algorithm developed to predict the effect of missense changes on protein structure and function outputs the following: PolyPhen-2: "Benign". The histidine amino acid residue is found in multiple mammalian species, which suggests that this missense change does not adversely affect protein function. In summary, the available evidence is currently insufficient to determine the role of this variant in disease. Therefore, it has been classified as a Variant of Uncertain Significance.

Ambry Genetics
Classification: Uncertain significance for Nephrolithiasis/nephrocalcinosis. Last evaluated: 2022-04-01. Review status: criteria provided, single submitter. Criteria: Ambry Variant Classification Scheme 2023. Collection method: clinical testing. Allele origin: germline.
Comment: The p.Q995H variant (also known as c.2985G>C), located in coding exon 6 of the CASR gene, results from a G to C substitution at nucleotide position 2985. The glutamine at codon 995 is replaced by histidine, an amino acid with highly similar properties. This amino acid position is conserved. In addition, this alteration is predicted to be tolerated by in silico analysis. Since supporting evidence is limited at this time, the clinical significance of this alteration remains unclear.

NM_000388.4(CASR):c.2985G>C (p.Gln995His)

Gene: CASR (calcium sensing receptor; plus strand). Cytogenetic location: 3q21.1.
Variant type: single nucleotide variant.
Coding change: c.2985G>C on transcript NM_000388.4 (MANE Select); coding-DNA position 2985, G replaced by C.
Protein change: p.Gln995His; replaces glutamine 995 with histidine.
Molecular consequence: missense variant.
Genome position (GRCh38, 1-based): chr3:122,284,939, G>C. VCF-style: chr3-122284939-G-C. GRCh37 (hg19) VCF-style: chr3-122003786-G-C.
Other names: c.3015G>C, p.Gln1005His (NM_001178065.2); short protein forms Q995H, Q1005H.
Identifiers: ClinVar variation 463942 (VCV000463942.50), dbSNP rs201341173, ClinGen allele CA82749393.